The following is an entry in ClinVar:

ClinVar aggregate classification (germline): Uncertain significance (1 of 4 stars; one submission).

Conditions:
Symmetrical dyschromatosis of extremities (DSH). Also called: RETICULATE ACROPIGMENTATION OF DOHI; SYMMETRIC DYSCHROMATOSIS OF THE EXTREMITIES; Dyschromatosis symmetrica hereditaria; DYSCHROMATOSIS SYMMETRICA HEREDITARIA 1. Identifiers: Orphanet 41, MedGen C0406775, MONDO:0007483, OMIM 127400.
Aicardi-Goutieres syndrome 6 (AGS6). Identifiers: Orphanet 51, MedGen C3539013, MONDO:0014007, OMIM 615010.

Allele frequency attached by ClinVar (database versions not stated): gnomAD exomes below 0.00001; TOPMed below 0.00001; gnomAD 0.00001.
gnomAD v4.1: 3 of 1,614,074 alleles (0.00019%); highest among the groups gnomAD compares: Admixed American, 0.005%; no homozygotes.

Submission:

Labcorp Genetics (formerly Invitae), Labcorp
Classification: Uncertain significance for Aicardi-Goutieres syndrome 6; Symmetrical dyschromatosis of extremities. Last evaluated: 2025-12-29. Review status: criteria provided, single submitter. Criteria: Invitae Variant Classification Sherloc (09022015). Collection method: clinical testing. Allele origin: germline.
Comment: This sequence change replaces leucine, which is neutral and non-polar, with arginine, which is basic and polar, at codon 1164 of the ADAR protein (p.Leu1164Arg). This variant is present in population databases (no rsID available, gnomAD 0.003%). This variant has not been reported in the literature in individuals affected with ADAR-related conditions. ClinVar contains an entry for this variant (Variation ID: 2926441). Invitae Evidence Modeling of protein sequence and biophysical properties (such as structural, functional, and spatial information, amino acid conservation, physicochemical variation, residue mobility, and thermodynamic stability) has been performed for this missense variant. However, the output from this modeling did not meet the statistical confidence thresholds required to predict the impact of this variant on ADAR protein function. In summary, the available evidence is currently insufficient to determine the role of this variant in disease. Therefore, it has been classified as a Variant of Uncertain Significance.

NM_001111.5(ADAR):c.3491T>G (p.Leu1164Arg)

Gene: ADAR (adenosine deaminase RNA specific; minus strand). Cytogenetic location: 1q21.3.
Variant type: single nucleotide variant.
Coding change: c.3491T>G on transcript NM_001111.5 (MANE Select); coding-DNA position 3491, T replaced by G.
Protein change: p.Leu1164Arg; replaces leucine 1164 with arginine.
Molecular consequence: missense variant.
Genome position (GRCh38, 1-based): chr1:154,584,996, A>C on the plus strand (T>G on the coding strand, the complement: ADAR is on the minus strand). VCF-style: chr1-154584996-A-C. GRCh37 (hg19) VCF-style: chr1-154557472-A-C.
Other names: c.2606T>G, p.Leu869Arg (NM_001025107.3, NM_001193495.2, NM_001365046.1 and 2 more transcripts); c.3518T>G, p.Leu1173Arg (NM_001365045.1); c.2528T>G, p.Leu843Arg (NM_001365049.1); c.3413T>G, p.Leu1138Arg (NM_015840.4); c.3356T>G, p.Leu1119Arg (NM_015841.4); short protein forms L1119R, L1138R, L1164R, L1173R, L869R, L843R.
Identifiers: ClinVar variation 2926441 (VCV002926441.3), dbSNP rs1325517314, ClinGen allele CA342634842.